The following is an entry in ClinVar:

ClinVar aggregate classification (germline): Conflicting classifications of pathogenicity. Review status: criteria provided, conflicting classifications (1 of 4 stars). 4 submissions from 4 submitters: Likely pathogenic (1); Uncertain significance (1). 2 of the submissions do not count toward it. Last evaluated 2025-03-10.

Conditions:
Cystic fibrosis (CF). Also called: MUCOVISCIDOSIS. Identifiers: Orphanet 586, MedGen C0010674, MONDO:0009061, OMIM 219700. Disease mechanism: loss of function.
Bronchiectasis with or without elevated sweat chloride 1 (BESC1). Also called: Cystic Fibrosis-Like Syndrome. Identifiers: Orphanet 60033, MedGen C2749757, MONDO:0008887, OMIM 211400.

Allele frequency attached by ClinVar (database versions not stated): TOPMed below 0.00001.
gnomAD v4.1: 17 of 1,610,154 alleles (0.0011%); highest among the groups gnomAD compares: Non-Finnish European, 0.0014%; no homozygotes.

Submissions (4):

Women's Health and Genetics/Laboratory Corporation of America, LabCorp
Classification: Uncertain significance. Last evaluated: 2025-03-10. Review status: criteria provided, single submitter. Criteria: LabCorp Variant Classification Summary - May 2015. Collection method: clinical testing. Allele origin: germline.
Comment: Variant summary: CFTR c.3353C>G (p.Ser1118Cys) results in a non-conservative amino acid change located in the second transmembrane domain (IPR011527) of the encoded protein sequence. Five of five in-silico tools predict a damaging effect of the variant on protein function. The variant allele was found at a frequency of 1.1e-05 in 1603174 control chromosomes in the gnomAD database (v4.1 dataset). This frequency is not higher than the maximum estimated for a pathogenic variant in CFTR causing Cystic Fibrosis (0.013), allowing no conclusion about variant significance. The variant, c.3353C>G, has been reported in the literature in at least one compound heterozygous individual affected with congenital bilateral absence of the vas deferens and/or adult-diagnosed Cystic Fibrosis (Sickkids database, and Dorfman_2008, Dorfman_2009, Masica_2012, Desai_2018). These data do not allow any conclusion about variant significance. Publications reported experimental evidence evaluating an impact on protein function, and demonstrated that the variant resulted in approximately (Gt channel conductance) 35% of normal chloride channel conductance relative to wild type (Bihler_2024). A different variant affecting the same codon has been classified as pathogenic by our lab (c.3353C>T, p.Ser1118Phe), supporting the critical relevance of codon 1118 to CFTR protein function, however the effect of various amino acid substitutions at this codon were different in functional studies (e.g. Wang_2014, Bihler_2024). The following publications have been ascertained in the context of this evaluation (PMID: 29944384, 20059485, 18292811, 22573477, 22843683, 38388235, 23955087). ClinVar contains an entry for this variant (Variation ID: 53721). Based on the evidence outlined above, the variant was classified as VUS-possibly pathogenic.

Baylor Genetics
Classification: Likely pathogenic for Bronchiectasis with or without elevated sweat chloride 1. Last evaluated: 2023-09-02. Review status: criteria provided, single submitter. Criteria: ACMG Guidelines, 2015. Collection method: clinical testing. Allele origin: unknown.

Counsyl
Classification: Uncertain significance for Cystic fibrosis. Last evaluated: 2017-12-24. Review status: no assertion criteria provided. Collection method: clinical testing. Allele origin: unknown. Not counted in ClinVar's aggregate classification.

ClinVar Staff, National Center for Biotechnology Information (NCBI)
No classification provided. Condition: CFTR-related disorders. Review status: no classification provided. Collection method: literature only. Allele origin: germline. Affected: yes. Not counted in ClinVar's aggregate classification.

Literature cited by the submitters: PubMed 20059485 (cited by Women's Health and Genetics/Laboratory Corporation of America, LabCorp and ClinVar Staff, National Center for Biotechnology Information (NCBI)); PubMed 18292811 (cited by Women's Health and Genetics/Laboratory Corporation of America, LabCorp); PubMed 29944384 (cited by Women's Health and Genetics/Laboratory Corporation of America, LabCorp); PubMed 22573477 (cited by Women's Health and Genetics/Laboratory Corporation of America, LabCorp); PubMed 22843683 (cited by Women's Health and Genetics/Laboratory Corporation of America, LabCorp); PubMed 38388235 (cited by Women's Health and Genetics/Laboratory Corporation of America, LabCorp); PubMed 23955087 (cited by Women's Health and Genetics/Laboratory Corporation of America, LabCorp and Counsyl); PubMed 19381710 (cited by Counsyl).

NM_000492.4(CFTR):c.3353C>G (p.Ser1118Cys)

Genes: CFTR (CF transmembrane conductance regulator; plus strand), CFTR-AS2 (CFTR antisense RNA 2; minus strand), LOC111674472 (DNase I hypersensitive sites in introns 16 and 17a of CFTR; plus strand). Cytogenetic location: 7q31.2.
Variant type: single nucleotide variant.
Coding change: c.3353C>G on transcript NM_000492.4 (MANE Select); coding-DNA position 3353, C replaced by G.
Protein change: p.Ser1118Cys; replaces serine 1118 with cysteine.
Molecular consequence: missense variant.
Genome position (GRCh38, 1-based): chr7:117,611,794, C>G. VCF-style: chr7-117611794-C-G. GRCh37 (hg19) VCF-style: chr7-117251848-C-G.
Other names: short protein forms S1118C.
Identifiers: ClinVar variation 53721 (VCV000053721.7), dbSNP rs146521846, ClinGen allele CA327150.